The following is an entry in ClinVar:

ClinVar aggregate classification (germline): Likely pathogenic (1 of 4 stars; one submission).

Conditions:
46,XY sex reversal 3. Also called: 46,XY GONADAL DYSGENESIS, PARTIAL OR COMPLETE, WITH OR WITHOUT ADRENAL FAILURE; DISORDER OF SEX DEVELOPMENT, 46,XY, NR5A1-RELATED; NR5A1-related 46,XY complete gonadal dysgenesis; 46,XY SEX REVERSAL, PARTIAL OR COMPLETE, NR5A1-RELATED; SEX REVERSAL, XY, WITH OR WITHOUT ADRENAL FAILURE. Identifiers: MedGen C3489793, MONDO:0013066, OMIM 612965.

Submission:

Victorian Clinical Genetics Services, Murdoch Childrens Research Institute
Classification: Likely pathogenic for 46,XY sex reversal 3. Last evaluated: 2023-01-13. Review status: criteria provided, single submitter. Criteria: ACMG Guidelines, 2015. Collection method: clinical testing. Allele origin: germline. Inheritance: Autosomal dominant inheritance. Affected: yes.
Comment: Based on the classification scheme VCGS_Germline_v1.3.4, this variant is classified as Likely pathogenic. Following criteria are met: 0102 - Loss of function is a known mechanism of disease in this gene and is associated with adrenocortical insufficiency (MIM#612964), 46,XX sex reversal 4 (MIM# 617480), premature ovarian failure 7 (MIM#612964), spermatogenic failure 8 (MIM#613957) and 46,XY sex reversal 3 (MIM#612965). (I) 0107 - This gene is associated with autosomal dominant disease. (I) 0115 - Variants in this gene are known to have variable expressivity. Intra-familial variability has been reported for variants in this gene (PMID: 31513305). (I) 0200 - Variant is predicted to result in a missense amino acid change from leucine to proline. (I) 0251 - This variant is heterozygous. (I) 0301 - Variant is absent from gnomAD (both v2 and v3). (SP) 0501 - Missense variant consistently predicted to be damaging by multiple in silico tools and highly conserved with a moderate amino acid change. (SP) 0600 - Variant is located in the annotated ligand-binding domain (UniProt). (I) 0705 - No comparable missense variants have previous evidence for pathogenicity. (I) 0803 - This variant has limited previous evidence of pathogenicity in an unrelated individual. This variant has been reported in one 46,XY DSD individual (PMID: 28033660). (SP) 0905 - No published segregation evidence has been identified for this variant. (I) 1002 - This variant has moderate functional evidence supporting abnormal protein function. Mutant constructs transfected into human embryonic kidney TSA-201 cells demonstrated significantly reduced transactivation activity compared to WT constructs (PMID: 28033660). (I) Legend: (SP) - Supporting pathogenic, (I) - Information, (SB) - Supporting benign

Literature cited by the submitters: PubMed 28033660; PubMed 31513305.

NM_004959.5(NR5A1):c.1073T>C (p.Leu358Pro)

Gene: NR5A1 (nuclear receptor subfamily 5 group A member 1; minus strand). Cytogenetic location: 9q33.3.
Variant type: single nucleotide variant.
Coding change: c.1073T>C on transcript NM_004959.5 (MANE Select); coding-DNA position 1073, T replaced by C.
Protein change: p.Leu358Pro; replaces leucine 358 with proline.
Molecular consequence: missense variant.
Genome position (GRCh38, 1-based): chr9:124,491,146, A>G on the plus strand (T>C on the coding strand, the complement: NR5A1 is on the minus strand). VCF-style: chr9-124491146-A-G. GRCh37 (hg19) VCF-style: chr9-127253425-A-G.
Other names: short protein forms L358P.
Identifiers: ClinVar variation 1699162 (VCV001699162.3), dbSNP rs2131277648, ClinGen allele CA374880674.
Genomic context (GRCh38, chr9:124,491,146, plus strand): 5'-CTGAAGAGGATGATGAACTTGAGGCAGACAAACTCCTGCCGGTCCAGCTGCAGCGCAAGC[A>G]GCTGCAGCACCAGCTCCTGCGCCCGCAACACCAGGCTGTGCAGCAGCGAGCCCGCCTGGG-3'
Protein context (NP_004950.2, residues 348-368): VLRAQELVLQ[Leu358Pro]LALQLDRQEF